The following is an entry in ClinVar:

NM_001177316.2(SLC34A3):c.485G>A (p.Gly162Asp)

Gene: SLC34A3 (solute carrier family 34 member 3; plus strand). Cytogenetic location: 9q34.3.
Variant type: single nucleotide variant.
Coding change: c.485G>A on transcript NM_001177316.2 (MANE Select); coding-DNA position 485, G replaced by A.
Protein change: p.Gly162Asp; replaces glycine 162 with aspartic acid.
Molecular consequence: missense variant.
Genome position (GRCh38, 1-based): chr9:137,233,040, G>A. VCF-style: chr9-137233040-G-A. GRCh37 (hg19) VCF-style: chr9-140127492-G-A.
Other names: c.485G>A, p.Gly162Asp (NM_001177317.2, NM_080877.3); short protein forms G162D.
Identifiers: ClinVar variation 4533266 (VCV004533266.1).

ClinVar aggregate classification (germline): Uncertain significance (1 of 4 stars; one submission).

Conditions:
Autosomal recessive hypophosphatemic bone disease (HHRH). Also called: HYPERCALCIURIC RICKETS; Hypophosphatemic rickets with hypercalciuria. Identifiers: Orphanet 157215, MedGen C1853271, MONDO:0009431, OMIM 241530.

gnomAD v4.1: 8 of 1,612,060 alleles (0.0005%); highest among the groups gnomAD compares: Non-Finnish European, 0.00068%; no homozygotes.

Submission:

Diagnostics Services (NGS), CSIR - Centre For Cellular And Molecular Biology
Classification: Uncertain significance for Autosomal recessive hypophosphatemic bone disease. Last evaluated: 2025-10-30. Review status: criteria provided, single submitter. Criteria: ACMG Guidelines, 2015. Collection method: clinical testing. Allele origin: germline. Affected: yes. Observed: 1 variant allele, 1 homozygote.
Comment: The c.485G>A variant is not present in publicly available population databases like 1000 Genomes, EVS, Indian Exome Database or our internal database. The variant is present in gnomAD at a low frequency. This variant has neither been published in literature in individuals affected with SLC34A3-related conditions nor reported to the clinical databases like Human Genome Mutation Database (HGMD), ClinVar or OMIM, in any affected individuals. In-silico pathogenicity prediction programs like SIFT, Polyphen-2, MutationTaster2, CADD, etc predicted this variant to be likely deleterious however these predictions were not confirmed by published functional studies.